The following is an entry in ClinVar:

NM_000540.3(RYR1):c.5920C>T (p.Arg1974Trp)

Gene: RYR1 (ryanodine receptor 1; plus strand). Cytogenetic location: 19q13.2.
Variant type: single nucleotide variant.
Coding change: c.5920C>T on transcript NM_000540.3 (MANE Select); coding-DNA position 5920, C replaced by T.
Protein change: p.Arg1974Trp; replaces arginine 1974 with tryptophan.
Molecular consequence: missense variant.
Genome position (GRCh38, 1-based): chr19:38,490,181, C>T. VCF-style: chr19-38490181-C-T. GRCh37 (hg19) VCF-style: chr19-38980821-C-T.
Other names: c.5920C>T, p.Arg1974Trp (NM_001042723.2); short protein forms R1974W.
Identifiers: ClinVar variation 861817 (VCV000861817.15), dbSNP rs779733902, ClinGen allele CA067551.

ClinVar aggregate classification (germline): Conflicting classifications of pathogenicity. Review status: criteria provided, conflicting classifications (1 of 4 stars). 5 submissions from 5 submitters: Likely pathogenic (1); Uncertain significance (4). Last evaluated 2024-11-03.

Conditions:
RYR1-related disorder. Also called: RYR1-related disorders; RYR1-related condition. Identifiers: MedGen CN239331.
Malignant hyperthermia, susceptibility to, 1 (MHS1). Also called: Malignant hyperthermia suceptibility 1; RYR1-Related Malignant Hyperthermia Susceptibility; Anesthesia related hyperthermia; Malignant hyperpyrexia; Fulminating hyperpyrexia; Pharmacogenic myopathy. Identifiers: Orphanet 423, MedGen C2930980, MONDO:0007783, OMIM 145600.

Allele frequency attached by ClinVar (database versions not stated): ExAC 0.00001; gnomAD 0.00002 and 0.00003; gnomAD exomes 0.00002 and 0.00003; TOPMed 0.00003; 1000 Genomes Project 30x 0.00016.
gnomAD v4.1: 39 of 1,614,220 alleles (0.0024%); highest among the groups gnomAD compares: Middle Eastern, 0.016%; no homozygotes.

Submissions (5):

Labcorp Genetics (formerly Invitae), Labcorp
Classification: Uncertain significance for RYR1-related disorder. Last evaluated: 2024-11-03. Review status: criteria provided, single submitter. Criteria: Invitae Variant Classification Sherloc (09022015). Collection method: clinical testing. Allele origin: germline.
Comment: This sequence change replaces arginine, which is basic and polar, with tryptophan, which is neutral and slightly polar, at codon 1974 of the RYR1 protein (p.Arg1974Trp). This variant is present in population databases (rs779733902, gnomAD 0.006%). This variant has not been reported in the literature in individuals affected with RYR1-related conditions. ClinVar contains an entry for this variant (Variation ID: 861817). Invitae Evidence Modeling of protein sequence and biophysical properties (such as structural, functional, and spatial information, amino acid conservation, physicochemical variation, residue mobility, and thermodynamic stability) has been performed for this missense variant. However, the output from this modeling did not meet the statistical confidence thresholds required to predict the impact of this variant on RYR1 protein function. In summary, the available evidence is currently insufficient to determine the role of this variant in disease. Therefore, it has been classified as a Variant of Uncertain Significance.

All of Us Research Program, National Institutes of Health
Classification: Uncertain significance for Malignant hyperthermia, susceptibility to, 1. Last evaluated: 2024-09-23. Review status: criteria provided, single submitter. Criteria: ACMG Guidelines, 2015. Collection method: clinical testing. Allele origin: germline. Inheritance: Autosomal dominant inheritance. Observed: 10 variant alleles, 10 heterozygotes.
Comment: This missense variant replaces arginine with tryptophan at codon 1974 of the RYR1 protein. Computational prediction suggests that this variant may not impact protein structure and function (internally defined REVEL score threshold <= 0.5, PMID: 27666373). To our knowledge, functional studies have not been reported for this variant. This variant has not been reported in individuals affected with RYR1-related disorders in the literature. This variant has been identified in 9/282718 chromosomes in the general population by the Genome Aggregation Database (gnomAD). The available evidence is insufficient to determine the role of this variant in disease conclusively. Therefore, this variant is classified as a Variant of Uncertain Significance.

This study involves interpretation of variants in research participants for the purpose of population health screening. Participant phenotype was not available at the time of variant classification. Additional details can be found in publication PMID: 35346344, PMCID: PMC8962531

GeneDx
Classification: Uncertain significance. Last evaluated: 2024-08-30. Review status: criteria provided, single submitter. Criteria: GeneDx Variant Classification Process June 2021. Collection method: clinical testing. Allele origin: germline. Affected: yes.
Comment: Not observed at significant frequency in large population cohorts (gnomAD); In silico analysis supports that this missense variant has a deleterious effect on protein structure/function; Has not been previously published as pathogenic or benign to our knowledge

Color Diagnostics, LLC DBA Color Health
Classification: Uncertain significance for Malignant hyperthermia, susceptibility to, 1. Last evaluated: 2024-02-03. Review status: criteria provided, single submitter. Criteria: ACMG Guidelines, 2015. Collection method: clinical testing. Allele origin: germline.
Comment: This missense variant replaces arginine with tryptophan at codon 1974 of the RYR1 protein. Computational prediction suggests that this variant may not impact protein structure and function. To our knowledge, functional studies have not been reported for this variant. This variant has not been reported in individuals affected with RYR1-related disorders in the literature. This variant has been identified in 9/282718 chromosomes in the general population by the Genome Aggregation Database (gnomAD). The available evidence is insufficient to determine the role of this variant in disease conclusively. Therefore, this variant is classified as a Variant of Uncertain Significance.

Genomic Research Center, Shahid Beheshti University of Medical Sciences
Classification: Likely pathogenic. Last evaluated: 2020-05-03. Review status: criteria provided, single submitter. Criteria: ACMG Guidelines, 2015. Collection method: clinical testing. Allele origin: unknown. Affected: yes.